The following is an entry in ClinVar:

NM_000535.7(PMS2):c.321G>A (p.Arg107=)

Gene: PMS2 (PMS1 homolog 2, mismatch repair system component; minus strand). Cytogenetic location: 7p22.1.
Variant type: single nucleotide variant.
Coding change: c.321G>A on transcript NM_000535.7 (MANE Select); coding-DNA position 321, G replaced by A.
Protein change: p.Arg107=; no amino-acid change (arginine 107 retained).
Molecular consequence: synonymous variant. On other transcripts: 5 prime UTR variant (9), non-coding transcript variant (1), intron variant (2).
Genome position (GRCh38, 1-based): chr7:6,003,722, C>T on the plus strand (G>A on the coding strand, the complement: PMS2 is on the minus strand). VCF-style: chr7-6003722-C-T. GRCh37 (hg19) VCF-style: chr7-6043353-C-T.
Other names: c.-85G>A (NM_001322003.2, NM_001322004.2, NM_001322005.2 and 3 more transcripts); c.321G>A, p.Arg107= (NM_001322006.2, NM_001322014.2); c.-564G>A (NM_001322011.2, NM_001322012.2); c.-164G>A (NM_001322015.2); c.35+250G>A (NM_001322008.2, NM_001322007.2).
Identifiers: ClinVar variation 231811 (VCV000231811.25), dbSNP rs756420858, ClinGen allele CA049152.

ClinVar aggregate classification (germline): Benign/Likely benign. Review status: criteria provided, multiple submitters, no conflicts (2 of 4 stars). 10 submissions from 10 submitters: Benign (1); Likely benign (8). 1 of the submissions does not count toward it. Last evaluated 2025-11-11.

Conditions:
Hereditary cancer-predisposing syndrome. Also called: Neoplastic Syndromes, Hereditary; Tumor predisposition; Hereditary Cancer Syndrome; Hereditary neoplastic syndrome. Identifiers: Orphanet 140162, MedGen C0027672, MeSH D009386, MONDO:0015356.
Lynch syndrome. Identifiers: Orphanet 144, MedGen C4552100, MONDO:0005835. Disease mechanism: loss of function.
Hereditary nonpolyposis colorectal neoplasms. Identifiers: MedGen C0009405, MeSH D003123.
Lynch syndrome 4 (LYNCH4). Also called: Colorectal cancer, hereditary nonpolyposis, type 4; Hereditary non-polyposis colorectal cancer, type 4. Identifiers: Orphanet 144, MedGen C1838333, MONDO:0013699, OMIM 614337. Disease mechanism: loss of function.
Malignant tumor of breast. Also called: Malignant breast neoplasm; Cancer breast. Identifiers: MedGen C0006142, MONDO:0007254. Disease mechanism: loss of function.

Allele frequency attached by ClinVar (database versions not stated): TOPMed 0.00005.
gnomAD v4.1: 11 of 1,598,118 alleles (0.00069%); highest among the groups gnomAD compares: Admixed American, 0.0017%; no homozygotes.

Submissions (10):

Labcorp Genetics (formerly Invitae), Labcorp
Classification: Likely benign for Hereditary nonpolyposis colorectal neoplasms. Last evaluated: 2025-11-11. Review status: criteria provided, single submitter. Criteria: Invitae Variant Classification Sherloc (09022015). Collection method: clinical testing. Allele origin: germline.

Myriad Genetics, Inc.
Classification: Benign for Lynch syndrome 4. Last evaluated: 2025-01-24. Review status: criteria provided, single submitter. Criteria: Myriad Autosomal Dominant, Autosomal Recessive and X-Linked Classification Criteria (2023). Collection method: clinical testing. Allele origin: unknown.
Comment: This variant is considered benign. This variant is a silent/synonymous amino acid change and it is not expected to impact splicing.

All of Us Research Program, National Institutes of Health
Classification: Likely benign for Lynch syndrome. Last evaluated: 2024-01-11. Review status: criteria provided, single submitter. Criteria: ACMG Guidelines, 2015. Collection method: clinical testing. Allele origin: germline. Inheritance: Autosomal dominant inheritance. Observed: 5 variant alleles, 5 heterozygotes.
Comment: This study involves interpretation of variants in research participants for the purpose of population health screening. Participant phenotype was not available at the time of variant classification. Additional details can be found in publication PMID: 35346344, PMCID: PMC8962531

Sema4
Classification: Likely benign for Hereditary cancer-predisposing syndrome. Last evaluated: 2022-01-06. Review status: criteria provided, single submitter. Criteria: Sema4 Curation Guidelines. Collection method: curation. Allele origin: germline.

GeneDx
Classification: Likely benign. Last evaluated: 2021-01-07. Review status: criteria provided, single submitter. Criteria: GeneDx Variant Classification Process June 2021. Collection method: clinical testing. Allele origin: germline. Affected: yes.

Women's Health and Genetics/Laboratory Corporation of America, LabCorp
Classification: Likely benign. Last evaluated: 2019-08-29. Review status: criteria provided, single submitter. Criteria: LabCorp Variant Classification Summary - May 2015. Collection method: clinical testing. Allele origin: germline.

Quest Diagnostics Nichols Institute San Juan Capistrano
Classification: Likely benign. Last evaluated: 2018-01-10. Review status: criteria provided, single submitter. Criteria: Quest Diagnostics criteria. Collection method: clinical testing. Allele origin: germline.

Color Diagnostics, LLC DBA Color Health
Classification: Likely benign for Hereditary cancer-predisposing syndrome. Last evaluated: 2017-08-30. Review status: criteria provided, single submitter. Criteria: ACMG Guidelines, 2015. Collection method: clinical testing. Allele origin: germline.

Ambry Genetics
Classification: Likely benign for Hereditary cancer-predisposing syndrome. Last evaluated: 2015-05-13. Review status: criteria provided, single submitter. Criteria: Ambry Variant Classification Scheme 2023. Collection method: clinical testing. Allele origin: germline.

Department of Pathology and Laboratory Medicine, Sinai Health System
Classification: Uncertain significance for Malignant tumor of breast. Review status: no assertion criteria provided. Collection method: clinical testing. Allele origin: unknown. Affected: yes. Study: The Canadian Open Genetics Repository (COGR). Not counted in ClinVar's aggregate classification.
Comment: The PMS2 p.Arg107= variant was not identified in the literature. The variant was identified in dbSNP (ID: rs756420858) as "With Likely benign, Uncertain significance allele" and ClinVar (classified as likely benign by Invitae, Ambry Genetics, GeneDx and Color; and as uncertain significance by Integrated Genetics/Laboratory Corporation of America). The variant was identified in control databases in 5 of 231786 chromosomes at a frequency of 0.00002 (Genome Aggregation Database Feb 27, 2017). The variant was observed in the following populations: Latino in 1 of 33428 chromosomes (freq: 0.00003) and European in 4 of 107308 chromosomes (freq: 0.00004), but not in the African, Other, Ashkenazi Jewish, East Asian, Finnish, or South Asian populations. The p.Arg107= variant is not expected to have clinical significance because it does not result in a change of amino acid and is not located in a known consensus splice site. However, 1 of 4 in silico or computational prediction software programs (SpliceSiteFinder, MaxEntScan, NNSPLICE, GeneSplicer) predicts a greater than 10% difference in splicing; this is not very predictive of pathogenicity. In summary, based on the above information the clinical significance of this variant cannot be determined with certainty at this time. This variant is classified as a variant of uncertain significance.